The following is an entry in ClinVar:

ClinVar aggregate classification (germline): Uncertain significance. Review status: criteria provided, multiple submitters, no conflicts (2 of 4 stars). 3 submissions from 3 submitters: Uncertain significance (3). Last evaluated 2024-12-04.

Conditions:
Familial encephalopathy with neuroserpin inclusion bodies. Also called: ENCEPHALOPATHY, FAMILIAL, WITH COLLINS BODIES. Identifiers: Orphanet 85110, MedGen C1858680, MONDO:0011412, OMIM 604218.

gnomAD v4.1: 23 of 1,611,090 alleles (0.0014%); highest among the groups gnomAD compares: Non-Finnish European, 0.000085%; no homozygotes.

Submissions (3):

Athena Diagnostics
Classification: Uncertain significance. Last evaluated: 2024-12-04. Review status: criteria provided, single submitter. Criteria: Athena Diagnostics Criteria. Collection method: clinical testing. Allele origin: unknown.
Comment: Available data are insufficient to determine the clinical significance of the variant at this time. The frequency of this variant in the general population is higher than would generally be expected for pathogenic variants in this gene. Polyphen and MutationTaster predict this amino acid change may be damaging to the protein.

Labcorp Genetics (formerly Invitae), Labcorp
Classification: Uncertain significance for Familial encephalopathy with neuroserpin inclusion bodies. Last evaluated: 2024-09-20. Review status: criteria provided, single submitter. Criteria: Invitae Variant Classification Sherloc (09022015). Collection method: clinical testing. Allele origin: germline.
Comment: This sequence change replaces valine, which is neutral and non-polar, with phenylalanine, which is neutral and non-polar, at codon 344 of the SERPINI1 protein (p.Val344Phe). This variant is present in population databases (rs775383204, gnomAD 0.03%). This variant has not been reported in the literature in individuals affected with SERPINI1-related conditions. Invitae Evidence Modeling of protein sequence and biophysical properties (such as structural, functional, and spatial information, amino acid conservation, physicochemical variation, residue mobility, and thermodynamic stability) has been performed for this missense variant. However, the output from this modeling did not meet the statistical confidence thresholds required to predict the impact of this variant on SERPINI1 protein function. In summary, the available evidence is currently insufficient to determine the role of this variant in disease. Therefore, it has been classified as a Variant of Uncertain Significance.

Mayo Clinic Laboratories, Mayo Clinic
Classification: Uncertain significance. Last evaluated: 2023-09-21. Review status: criteria provided, single submitter. Criteria: ACMG Guidelines, 2015. Collection method: clinical testing. Allele origin: germline. Observed: 1 variant allele.
Comment: BS2, PP3

Literature cited by the submitters: PubMed 34405255 (cited by Mayo Clinic Laboratories, Mayo Clinic).

NM_001122752.2(SERPINI1):c.1030G>T (p.Val344Phe)

Gene: SERPINI1 (serpin family I member 1; plus strand). Cytogenetic location: 3q26.1.
Variant type: single nucleotide variant.
Coding change: c.1030G>T on transcript NM_001122752.2 (MANE Select); coding-DNA position 1030, G replaced by T.
Protein change: p.Val344Phe; replaces valine 344 with phenylalanine.
Molecular consequence: missense variant.
Genome position (GRCh38, 1-based): chr3:167,823,036, G>T. VCF-style: chr3-167823036-G-T. GRCh37 (hg19) VCF-style: chr3-167540824-G-T.
Other names: p.Val344Phe; c.1030G>T, p.Val344Phe (NM_005025.5); short protein forms V344F.
Identifiers: ClinVar variation 3379514 (VCV003379514.5).
Genomic context (GRCh38, chr3:167,823,036, plus strand): 5'-CTTTTTGCAGATAATAAGGAGATTTTTCTTTCCAAAGCAATTCACAAGTCCTTCCTAGAG[G>T]TTAATGAAGAAGGCTCAGAAGCTGCTGCTGTCTCAGGTACTGTTTGCTAGAATCTTCTCC-3'
Protein context (NP_001116224.1, residues 334-354): SKAIHKSFLE[Val344Phe]NEEGSEAAAV